The following is an entry in ClinVar:

ClinVar aggregate classification (germline): Likely pathogenic (1 of 4 stars; one submission).

Conditions:
Spermatogenic failure 39. Identifiers: MedGen C5231438, MONDO:0032845, OMIM 618643.

Submission:

Juno Genomics, Hangzhou Juno Genomics, Inc
Classification: Likely pathogenic for Spermatogenic failure 39. Review status: criteria provided, single submitter. Criteria: ACMG Guidelines, 2015. Collection method: clinical testing. Allele origin: germline.
Comment: Null variant in a gene where loss of function (LOF) is a known mechanism of disease.;Absent from controls (or at extremely low frequency if recessive) in Genome Aggregation Database.

NM_173628.4(DNAH17):c.12235del (p.Asp4079fs)

Gene: DNAH17 (dynein axonemal heavy chain 17; minus strand). Cytogenetic location: 17q25.3.
Variant type: Deletion.
Coding change: c.12235del on transcript NM_173628.4 (MANE Select); coding-DNA position 12235, one base deleted (G; older notation c.12235delG).
Protein change: p.Asp4079fs; shifts the reading frame from aspartic acid 4079.
Molecular consequence: frameshift variant.
Genome position (GRCh38, 1-based): chr17:78,429,291, C deleted on the plus strand (G on the coding strand, the reverse complement: DNAH17 is on the minus strand); the first of 3 consecutive C bases (chr17:78,429,291-78,429,293); deleting any one gives the same sequence. VCF-style (leftmost placement, unchanged base first): chr17-78429290-TC-T. GRCh37 (hg19) VCF-style: chr17-76425371-TC-T.
Other names: short protein forms D4079fs.
Identifiers: ClinVar variation 5005836 (VCV005005836.2).